The following is an entry in ClinVar:

NM_000179.3(MSH6):c.3951T>G (p.His1317Gln)

Gene: MSH6 (mutS homolog 6; plus strand). Cytogenetic location: 2p16.3.
Variant type: single nucleotide variant.
Coding change: c.3951T>G on transcript NM_000179.3 (MANE Select); coding-DNA position 3951, T replaced by G.
Protein change: p.His1317Gln; replaces histidine 1317 with glutamine.
Molecular consequence: missense variant.
Genome position (GRCh38, 1-based): chr2:47,806,601, T>G. VCF-style: chr2-47806601-T-G. GRCh37 (hg19) VCF-style: chr2-48033740-T-G.
Other names: c.3561T>G, p.His1187Gln (NM_001281492.2); c.3045T>G, p.His1015Gln (NM_001281493.2, NM_001281494.2); short protein forms H1317Q, H1015Q, H1187Q.
Identifiers: ClinVar variation 187682 (VCV000187682.14), dbSNP rs764786814, ClinGen allele CA014813.

ClinVar aggregate classification (germline): Uncertain significance. Review status: criteria provided, multiple submitters, no conflicts (2 of 4 stars). 2 submissions from 2 submitters: Uncertain significance (2). Last evaluated 2019-10-26.

Conditions:
Hereditary nonpolyposis colorectal neoplasms. Identifiers: MedGen C0009405, MeSH D003123.
Hereditary cancer-predisposing syndrome. Also called: Neoplastic Syndromes, Hereditary; Tumor predisposition; Hereditary Cancer Syndrome; Hereditary neoplastic syndrome. Identifiers: Orphanet 140162, MedGen C0027672, MeSH D009386, MONDO:0015356.

gnomAD v4.1: 2 of 1,613,250 alleles (0.00012%); highest among the groups gnomAD compares: African/African-American, 0.0013%; no homozygotes.

Submissions (2):

Labcorp Genetics (formerly Invitae), Labcorp
Classification: Uncertain significance for Hereditary nonpolyposis colorectal neoplasms. Last evaluated: 2019-10-26. Review status: criteria provided, single submitter. Criteria: Invitae Variant Classification Sherloc (09022015). Collection method: clinical testing. Allele origin: germline.
Comment: In summary, the available evidence is currently insufficient to determine the role of this variant in disease. Therefore, it has been classified as a Variant of Uncertain Significance. Algorithms developed to predict the effect of missense changes on protein structure and function are either unavailable or do not agree on the potential impact of this missense change (SIFT: "Tolerated"; PolyPhen-2: "Probably Damaging"; Align-GVGD: "Class C0"). This variant has not been reported in the literature in individuals with MSH6-related disease. ClinVar contains an entry for this variant (Variation ID: 187682). This variant is not present in population databases (ExAC no frequency). This sequence change replaces histidine with glutamine at codon 1317 of the MSH6 protein (p.His1317Gln). The histidine residue is moderately conserved and there is a small physicochemical difference between histidine and glutamine.

Ambry Genetics
Classification: Uncertain significance for Hereditary cancer-predisposing syndrome. Last evaluated: 2014-12-19. Review status: criteria provided, single submitter. Criteria: Ambry Variant Classification Scheme 2023. Collection method: clinical testing. Allele origin: germline.
Comment: The p.H1317Q variant (also known as c.3951T>G), located in coding exon 9 of the MSH6 gene, results from a T to G substitution at nucleotide position 3951. The histidine at codon 1317 is replaced by glutamine, an amino acid with highly similar properties. This variant was not reported in population based cohorts in the following databases: Database of Single Nucleotide Polymorphisms (dbSNP), NHLBI Exome Sequencing Project (ESP), and 1000 Genomes Project. In the ESP, this variant was not observed in 6503 samples (13006 alleles) with coverage at this position. To date, this alteration has been detected with an allele frequency of approximately 0.002% (greater than 42,000 alleles tested) in our clinical cohort. This amino acid position is highly conserved in available vertebrate species. This alteration is predicted to be benign and tolerated by PolyPhen and SIFT in silico analyses, respectively. In addition, the CoDP in silico tool predicts this alteration to have minor impact on molecular function, with a score of 0.00 (Terui H et al. J. Biomed. Sci. 2013;20:25). Since supporting evidence is limited at this time, the clinical significance of p.H1317Q remains unclear.